The following is an entry in ClinVar:

NM_005876.5(SPEG):c.6526_6528del (p.Ser2177del)

Genes: ASIC4-AS1 (ASIC4 antisense RNA 1; minus strand), SPEG (striated muscle enriched protein kinase; plus strand). Cytogenetic location: 2q35.
Variant type: Deletion.
Coding change: c.6526_6528del on transcript NM_005876.5 (MANE Select); coding-DNA positions 6526 to 6528, 3 bases deleted (TCC; older notation c.6526_6528delTCC).
Protein change: p.Ser2177del; deletes serine 2177.
Molecular consequence: inframe deletion.
Genome position (GRCh38, 1-based): chr2:219,483,989-219,483,991, TCC deleted. VCF-style (leftmost placement, unchanged base first): chr2-219483988-ATCC-A. GRCh37 (hg19) VCF-style: chr2-220348710-ATCC-A.
Other names: short protein forms S2177del.
Identifiers: ClinVar variation 1380796 (VCV001380796.6), dbSNP rs2125556697, ClinGen allele CA2573135276.

ClinVar aggregate classification (germline): Uncertain significance (1 of 4 stars; one submission).

Submission:

Labcorp Genetics (formerly Invitae), Labcorp
Classification: Uncertain significance. Last evaluated: 2022-08-09. Review status: criteria provided, single submitter. Criteria: Invitae Variant Classification Sherloc (09022015). Collection method: clinical testing. Allele origin: germline.
Comment: In summary, the available evidence is currently insufficient to determine the role of this variant in disease. Therefore, it has been classified as a Variant of Uncertain Significance. Experimental studies and prediction algorithms are not available or were not evaluated, and the functional significance of this variant is currently unknown. ClinVar contains an entry for this variant (Variation ID: 1380796). This variant has not been reported in the literature in individuals affected with SPEG-related conditions. This variant is not present in population databases (gnomAD no frequency). This variant, c.6526_6528del, results in the deletion of 1 amino acid(s) of the SPEG protein (p.Ser2177del), but otherwise preserves the integrity of the reading frame.